The following is an entry in ClinVar:

NM_004304.5(ALK):c.448A>C (p.Ile150Leu)

Gene: ALK (ALK receptor tyrosine kinase; minus strand). Cytogenetic location: 2p23.1.
Variant type: single nucleotide variant.
Coding change: c.448A>C on transcript NM_004304.5 (MANE Select); coding-DNA position 448, A replaced by C.
Protein change: p.Ile150Leu; replaces isoleucine 150 with leucine.
Molecular consequence: missense variant.
Genome position (GRCh38, 1-based): chr2:29,920,212, T>G on the plus strand (A>C on the coding strand, the complement: ALK is on the minus strand). VCF-style: chr2-29920212-T-G. GRCh37 (hg19) VCF-style: chr2-30143078-T-G.
Other names: short protein forms I150L.
Identifiers: ClinVar variation 1692787 (VCV001692787.5), dbSNP rs1203267790, ClinGen allele CA346590027.

ClinVar aggregate classification (germline): Uncertain significance. Review status: criteria provided, multiple submitters, no conflicts (2 of 4 stars). 4 submissions from 4 submitters: Uncertain significance (4). Last evaluated 2025-05-30.

Conditions:
Hereditary cancer-predisposing syndrome. Also called: Neoplastic Syndromes, Hereditary; Hereditary Cancer Syndrome; Tumor predisposition; Hereditary neoplastic syndrome. Identifiers: Orphanet 140162, MedGen C0027672, MeSH D009386, MONDO:0015356.
Neuroblastoma, susceptibility to, 3. Also called: ALK-Related Neuroblastic Tumor Susceptibility. Identifiers: Orphanet 635, MedGen C2751681, MONDO:0013083, OMIM 613014.

Allele frequency attached by ClinVar (database versions not stated): gnomAD exomes below 0.00001.
gnomAD v4.1: 4 of 1,612,958 alleles (0.00025%); highest among the groups gnomAD compares: African/African-American, 0.0013%; no homozygotes.

Submissions (4):

Labcorp Genetics (formerly Invitae), Labcorp
Classification: Uncertain significance for Neuroblastoma, susceptibility to, 3. Last evaluated: 2025-05-30. Review status: criteria provided, single submitter. Criteria: Invitae Variant Classification Sherloc (09022015). Collection method: clinical testing. Allele origin: germline.
Comment: This sequence change replaces isoleucine, which is neutral and non-polar, with leucine, which is neutral and non-polar, at codon 150 of the ALK protein (p.Ile150Leu). This variant is not present in population databases (gnomAD no frequency). This variant has not been reported in the literature in individuals affected with ALK-related conditions. ClinVar contains an entry for this variant (Variation ID: 1692787). An algorithm developed to predict the effect of missense changes on protein structure and function (PolyPhen-2) suggests that this variant is likely to be tolerated. In summary, the available evidence is currently insufficient to determine the role of this variant in disease. Therefore, it has been classified as a Variant of Uncertain Significance.

Ambry Genetics
Classification: Uncertain significance for Hereditary cancer-predisposing syndrome. Last evaluated: 2024-10-14. Review status: criteria provided, single submitter. Criteria: Ambry Variant Classification Scheme 2023. Collection method: clinical testing. Allele origin: germline.
Comment: The p.I150L variant (also known as c.448A>C), located in coding exon 1 of the ALK gene, results from an A to C substitution at nucleotide position 448. The isoleucine at codon 150 is replaced by leucine, an amino acid with highly similar properties. This amino acid position is conserved. In addition, this alteration is predicted to be tolerated by in silico analysis. Based on the available evidence, the clinical significance of this variant remains unclear.

St. Jude Molecular Pathology, St. Jude Children's Research Hospital
Classification: Uncertain significance for Neuroblastoma, susceptibility to, 3. Last evaluated: 2022-08-04. Review status: criteria provided, single submitter. Criteria: St. Jude Assertion Criteria 2020. Collection method: clinical testing. Allele origin: germline.
Comment: The ALK c.448A>C (p.Ile150Leu) missense change is absent in gnomAD v2.1.1. The in silico tool REVEL predicts a benign effect on protein function, but to our knowledge this prediction has not been confirmed by functional studies. To our knowledge, this variant has not been reported in the literature in individuals with ALK-related neuroblastic tumor susceptibility. In summary, the evidence currently available is insufficient to determine the clinical significance of this variant. It has therefore been classified as of uncertain significance.

Sema4
Classification: Uncertain significance for Hereditary cancer-predisposing syndrome. Last evaluated: 2022-02-16. Review status: criteria provided, single submitter. Criteria: Sema4 Curation Guidelines. Collection method: curation. Allele origin: germline.
Comment: The ALK c.448A>C (p.I150L) variant has not been reported in the literature to our knowledge. It was not observed in the large and broad cohorts of the Genome Aggregation Database (PMID: 32461654). This variant has not been reported in ClinVar. In silico tools suggest the impact of the variant on protein function is benign, though these predictions have not been confirmed by functional studies. The evidence is insufficient to meet ACMG/AMP criteria for classifying the variant as benign or pathogenic. Thus, the clinical significance of this variant is currently uncertain.